The following is an entry in ClinVar:

NM_001009994.3(RIPPLY2):c.115C>G (p.Pro39Ala)

Genes: RIPPLY2 (ripply transcriptional repressor 2; plus strand), RIPPLY2-CYB5R4 (RIPPLY2-CYB5R4 readthrough; plus strand). Cytogenetic location: 6q14.2.
Variant type: single nucleotide variant.
Coding change: c.115C>G on transcript NM_001009994.3 (MANE Select); coding-DNA position 115, C replaced by G.
Protein change: p.Pro39Ala; replaces proline 39 with alanine.
Molecular consequence: missense variant. On other transcripts: non-coding transcript variant (1).
Genome position (GRCh38, 1-based): chr6:83,853,714, C>G. VCF-style: chr6-83853714-C-G. GRCh37 (hg19) VCF-style: chr6-84563433-C-G.
Other names: short protein forms P39A.
Identifiers: ClinVar variation 1352241 (VCV001352241.8), dbSNP rs1276206463, ClinGen allele CA365049081.
Genomic context (GRCh38, chr6:83,853,714, plus strand): 5'-TCACGTCTCCTCTGCGCGCCTTGTGCTCCCCTATCCCGCAGATACGCAGGCTTCTGGAGA[C>G]CCTGGGTGGACGCCGGAGGCAAGAAAGAAGAGGAGACGCCGAACCACGCCGCGGAGGCGG-3'
Protein context (NP_001009994.1, residues 29-49): ADSGYAGFWR[Pro39Ala]WVDAGGKKEE

ClinVar aggregate classification (germline): Uncertain significance (1 of 4 stars; one submission).

Submission:

Labcorp Genetics (formerly Invitae), Labcorp
Classification: Uncertain significance. Last evaluated: 2022-01-13. Review status: criteria provided, single submitter. Criteria: Invitae Variant Classification Sherloc (09022015). Collection method: clinical testing. Allele origin: germline.
Comment: In summary, the available evidence is currently insufficient to determine the role of this variant in disease. Therefore, it has been classified as a Variant of Uncertain Significance. Algorithms developed to predict the effect of missense changes on protein structure and function are either unavailable or do not agree on the potential impact of this missense change (SIFT: "Deleterious"; PolyPhen-2: "Probably Damaging"; Align-GVGD: "Class C0"). This variant has not been reported in the literature in individuals affected with RIPPLY2-related conditions. This variant is not present in population databases (gnomAD no frequency). This sequence change replaces proline, which is neutral and non-polar, with alanine, which is neutral and non-polar, at codon 39 of the RIPPLY2 protein (p.Pro39Ala).